The following is an entry in ClinVar:

ClinVar aggregate classification (germline): Uncertain significance. Review status: criteria provided, multiple submitters, no conflicts (2 of 4 stars). 3 submissions from 3 submitters: Uncertain significance (3). Last evaluated 2025-01-01.

gnomAD v4.1: 77 of 1,614,064 alleles (0.0048%); highest among the groups gnomAD compares: East Asian, 0.17%; no homozygotes.

Submissions (3):

Labcorp Genetics (formerly Invitae), Labcorp
Classification: Uncertain significance. Last evaluated: 2025-01-01. Review status: criteria provided, single submitter. Criteria: Invitae Variant Classification Sherloc (09022015). Collection method: clinical testing. Allele origin: germline.
Comment: This sequence change replaces tyrosine, which is neutral and polar, with histidine, which is basic and polar, at codon 196 of the RDH11 protein (p.Tyr196His). This variant is present in population databases (rs753565749, gnomAD 0.05%). This variant has not been reported in the literature in individuals affected with RDH11-related conditions. An algorithm developed to predict the effect of missense changes on protein structure and function (PolyPhen-2) suggests that this variant is likely to be disruptive. In summary, the available evidence is currently insufficient to determine the role of this variant in disease. Therefore, it has been classified as a Variant of Uncertain Significance.

Ambry Genetics
Classification: Uncertain significance. Last evaluated: 2024-08-20. Review status: criteria provided, single submitter. Criteria: Ambry Variant Classification Scheme 2023. Collection method: clinical testing. Allele origin: germline.

Blueprint Genetics
Classification: Uncertain significance. Last evaluated: 2022-03-02. Review status: criteria provided, single submitter. Criteria: ACMG Guidelines, 2015. Collection method: clinical testing. Allele origin: germline.

NM_016026.4(RDH11):c.586T>C (p.Tyr196His)

Genes: GPHN (gephyrin; plus strand), RDH11 (retinol dehydrogenase 11; minus strand). Cytogenetic location: 14q24.1.
Variant type: single nucleotide variant.
Coding change: c.586T>C on transcript NM_016026.4 (MANE Select); coding-DNA position 586, T replaced by C.
Protein change: p.Tyr196His; replaces tyrosine 196 with histidine.
Molecular consequence: missense variant. On other transcripts: intron variant (1).
Genome position (GRCh38, 1-based): chr14:67,690,290, A>G on the plus strand (T>C on the coding strand, the complement: RDH11 is on the minus strand). VCF-style: chr14-67690290-A-G. GRCh37 (hg19) VCF-style: chr14-68157007-A-G.
Other names: c.454+850T>C (NM_001252650.2); short protein forms Y196H.
Identifiers: ClinVar variation 3431694 (VCV003431694.4).
Genomic context (GRCh38, chr14:67,690,290, plus strand): 5'-GTTCCTGGGTGAAGAGGATGTTGGCTAGCTTGCTGTGACAGTAGGCCAGGCCTGCATTGT[A>G]GAATTTCTCGCCCTGCAGGTTATGGAAGTGGATCCTTCCCAGGTGATGTGCGAGGGAAGA-3'
Protein context (NP_057110.3, residues 186-206): HFHNLQGEKF[Tyr196His]NAGLAYCHSK